The following is an entry in ClinVar:

ClinVar aggregate classification (germline): Benign/Likely benign. Review status: criteria provided, multiple submitters, no conflicts (2 of 4 stars). 6 submissions from 6 submitters: Benign (1); Likely benign (3). 2 of the submissions do not count toward it. Last evaluated 2026-01-28.

Conditions:
Severe combined immunodeficiency due to IKK2 deficiency. Also called: Immunodeficiency 15; IMMUNODEFICIENCY 15B. Identifiers: Orphanet 397787, MedGen C4747743, MONDO:0014267, OMIM 615592.

Allele frequency attached by ClinVar (database versions not stated): 1000 Genomes Project 0.00120; 1000 Genomes Project 30x 0.00125; ExAC 0.00162; gnomAD exomes 0.00172 and 0.00239; TOPMed 0.00184; gnomAD 0.00185 and 0.00186; ESP Exome Variant Server 0.00277.
gnomAD v4.1: 3,841 of 1,610,070 alleles (0.24%); highest among the groups gnomAD compares: Non-Finnish European, 0.28%; 11 homozygotes.

Submissions (6):

Labcorp Genetics (formerly Invitae), Labcorp
Classification: Benign for Severe combined immunodeficiency due to IKK2 deficiency. Last evaluated: 2026-01-28. Review status: criteria provided, single submitter. Criteria: Invitae Variant Classification Sherloc (09022015). Collection method: clinical testing. Allele origin: germline.

Blueprint Genetics
Classification: Likely benign. Last evaluated: 2024-11-24. Review status: criteria provided, single submitter. Criteria: ACMG Guidelines, 2015. Collection method: clinical testing. Allele origin: germline.

CeGaT Center for Human Genetics Tuebingen
Classification: Likely benign. Last evaluated: 2023-08-01. Review status: criteria provided, single submitter. Criteria: CeGaT Center For Human Genetics Tuebingen Variant Classification Criteria Version 2. Collection method: clinical testing. Allele origin: germline. Affected: yes. Observed: 3 variant alleles.
Comment: IKBKB: BP4

Breakthrough Genomics
Classification: Likely benign. Review status: criteria provided, single submitter. Criteria: ACMG Guidelines, 2015. Collection method: not provided. Allele origin: germline. Inheritance: Autosomal recessive inheritance. Affected: yes.

Clinical Genetics DNA and cytogenetics Diagnostics Lab, Erasmus MC, Erasmus Medical Center
Classification: Likely benign. Review status: no assertion criteria provided. Collection method: clinical testing. Allele origin: germline. Affected: yes. Study: VKGL Data-share Consensus. Not counted in ClinVar's aggregate classification.

Genome Diagnostics Laboratory, University Medical Center Utrecht
Classification: Likely benign. Review status: no assertion criteria provided. Collection method: clinical testing. Allele origin: germline. Affected: yes. Study: VKGL Data-share Consensus. Not counted in ClinVar's aggregate classification.

NM_001556.3(IKBKB):c.1702A>C (p.Arg568=)

Gene: IKBKB (inhibitor of nuclear factor kappa B kinase subunit beta; plus strand). Cytogenetic location: 8p11.21.
Variant type: single nucleotide variant.
Coding change: c.1702A>C on transcript NM_001556.3 (MANE Select); coding-DNA position 1702, A replaced by C.
Protein change: p.Arg568=; no amino-acid change (arginine 568 retained).
Molecular consequence: synonymous variant. On other transcripts: non-coding transcript variant (3).
Genome position (GRCh38, 1-based): chr8:42,321,909, A>C. VCF-style: chr8-42321909-A-C. GRCh37 (hg19) VCF-style: chr8-42179427-A-C.
Other names: c.1510A>C, p.Arg504= (NM_001190720.3); c.1525A>C, p.Arg509= (NM_001242778.2).
Identifiers: ClinVar variation 474792 (VCV000474792.53), dbSNP rs151057347, ClinGen allele CA4732096.